The following is an entry in ClinVar:

NM_003356.4(UCP3):c.166G>A (p.Val56Met)

Gene: UCP3 (uncoupling protein 3; minus strand). Cytogenetic location: 11q13.4.
Variant type: single nucleotide variant.
Coding change: c.166G>A on transcript NM_003356.4 (MANE Select); coding-DNA position 166, G replaced by A.
Protein change: p.Val56Met; replaces valine 56 with methionine.
Molecular consequence: missense variant.
Genome position (GRCh38, 1-based): chr11:74,006,340, C>T on the plus strand (G>A on the coding strand, the complement: UCP3 is on the minus strand). VCF-style: chr11-74006340-C-T. GRCh37 (hg19) VCF-style: chr11-73717385-C-T.
Other names: c.166G>A, p.Val56Met (NM_022803.3); short protein forms V56M.
Identifiers: ClinVar variation 2635873 (VCV002635873.8), dbSNP rs145163696, ClinGen allele CA6181602.

ClinVar aggregate classification (germline): Uncertain significance. Review status: criteria provided, multiple submitters, no conflicts (2 of 4 stars). 3 submissions from 3 submitters: Uncertain significance (3). Last evaluated 2026-04-03.

Conditions:
UCP3-related disorder. Also called: UCP3-related condition.

Allele frequency attached by ClinVar (database versions not stated): 1000 Genomes Project 30x 0.00031; ESP Exome Variant Server 0.00031; 1000 Genomes Project 0.00040; gnomAD 0.00045; TOPMed 0.00056.

Submissions (3):

PreventionGenetics, part of Exact Sciences
Classification: Uncertain significance for UCP3-related condition. Last evaluated: 2026-04-03. Review status: criteria provided, single submitter. Criteria: ACMG Guidelines, 2015. Collection method: clinical testing. Allele origin: germline.
Comment: The UCP3 c.166G>A variant is predicted to result in the amino acid substitution p.Val56Met. This variant was observed in individuals with severe, early-onset obesity, and a functional study suggested it has a dominant-negative effect on wild type protein activity (Musa et al. 2012. PubMed ID: 21544083). However, this variant is also reported in 0.098% of alleles in individuals of African descent in gnomAD. At this time, the clinical significance of this variant is uncertain due to the absence of conclusive functional and genetic evidence.

Labcorp Genetics (formerly Invitae), Labcorp
Classification: Uncertain significance. Last evaluated: 2025-07-27. Review status: criteria provided, single submitter. Criteria: Invitae Variant Classification Sherloc (09022015). Collection method: clinical testing. Allele origin: germline.
Comment: This sequence change replaces valine, which is neutral and non-polar, with methionine, which is neutral and non-polar, at codon 56 of the UCP3 protein (p.Val56Met). This variant is present in population databases (rs145163696, gnomAD 0.1%), and has an allele count higher than expected for a pathogenic variant. This missense change has been observed in individual(s) with severe, early-onset obesity (PMID: 21544083). ClinVar contains an entry for this variant (Variation ID: 2635873). An algorithm developed to predict the effect of missense changes on protein structure and function outputs the following: PolyPhen-2: "Benign". The methionine amino acid residue is found in multiple mammalian species, which suggests that this missense change does not adversely affect protein function. Experimental studies have shown that this missense change affects UCP3 function (PMID: 21544083). In summary, the available evidence is currently insufficient to determine the role of this variant in disease. Therefore, it has been classified as a Variant of Uncertain Significance.

Blueprint Genetics
Classification: Uncertain significance. Last evaluated: 2024-10-09. Review status: criteria provided, single submitter. Criteria: ACMG Guidelines, 2015. Collection method: clinical testing. Allele origin: germline.

Literature cited by the submitters: PubMed 21544083 (cited by Labcorp Genetics (formerly Invitae), Labcorp).